The following is an entry in ClinVar:

NM_020964.3(EPG5):c.5943-14T>G

Gene: EPG5 (ectopic P-granules 5 autophagy tethering factor; minus strand). Cytogenetic location: 18q12.3.
Variant type: single nucleotide variant.
Coding change: c.5943-14T>G on transcript NM_020964.3 (MANE Select); 14 bases into the intron before coding-DNA position 5943, T replaced by G.
Molecular consequence: intron variant.
Genome position (GRCh38, 1-based): chr18:45,876,356, A>C on the plus strand (T>G on the coding strand, the complement: EPG5 is on the minus strand). VCF-style: chr18-45876356-A-C. GRCh37 (hg19) VCF-style: chr18-43456321-A-C.
Identifiers: ClinVar variation 2002697 (VCV002002697.4), dbSNP rs1289958063, ClinGen allele CA779749064.
Genomic context (GRCh38, chr18:45,876,356, plus strand): 5'-CCACCACAGTATCACTCTCTAGCCAGGGGTAATGCCGCTGTTGGCTGCTTTAAAGAAAAG[A>C]AGCACACACTTAGGAATGCAACCGTGATTAAAATACTGTTAAGTCCCAGTGTCTAGGGCT-3'

ClinVar aggregate classification (germline): Uncertain significance (1 of 4 stars; one submission).

Conditions:
Vici syndrome (VICIS). Identifiers: Orphanet 1493, MedGen C1855772, MONDO:0009452, OMIM 242840.

Allele frequency attached by ClinVar (database versions not stated): gnomAD exomes below 0.00001; TOPMed below 0.00001; gnomAD 0.00001.
gnomAD v4.1: 4 of 1,597,960 alleles (0.00025%); highest among the groups gnomAD compares: Non-Finnish European, 0.000086%; no homozygotes.

Submission:

Labcorp Genetics (formerly Invitae), Labcorp
Classification: Uncertain significance for Vici syndrome. Last evaluated: 2022-06-07. Review status: criteria provided, single submitter. Criteria: Invitae Variant Classification Sherloc (09022015). Collection method: clinical testing. Allele origin: germline.
Comment: In summary, the available evidence is currently insufficient to determine the role of this variant in disease. Therefore, it has been classified as a Variant of Uncertain Significance. Algorithms developed to predict the effect of sequence changes on RNA splicing suggest that this variant may disrupt the consensus splice site. This variant has not been reported in the literature in individuals affected with EPG5-related conditions. This variant is not present in population databases (gnomAD no frequency). This sequence change falls in intron 34 of the EPG5 gene. It does not directly change the encoded amino acid sequence of the EPG5 protein.